The following is an entry in ClinVar:

NM_005120.3(MED12):c.1209C>A (p.Asn403Lys)

Gene: MED12 (mediator complex subunit 12; plus strand). Cytogenetic location: Xq13.1.
Variant type: single nucleotide variant.
Coding change: c.1209C>A on transcript NM_005120.3 (MANE Select); coding-DNA position 1209, C replaced by A.
Protein change: p.Asn403Lys; replaces asparagine 403 with lysine.
Molecular consequence: missense variant.
Genome position (GRCh38, 1-based): chrX:71,122,307, C>A. VCF-style: chrX-71122307-C-A. GRCh37 (hg19) VCF-style: chrX-70342157-C-A.
Other names: short protein forms N403K.
Identifiers: ClinVar variation 5016995 (VCV005016995.1).

ClinVar aggregate classification (germline): Uncertain significance (1 of 4 stars; one submission).

Submission:

GeneDx
Classification: Uncertain significance. Last evaluated: 2026-03-19. Review status: criteria provided, single submitter. Criteria: GeneDx Variant Classification Process June 2021. Collection method: clinical testing. Allele origin: germline.
Comment: Not observed at significant frequency in large population cohorts (gnomAD); In silico analysis suggests that this missense variant does not alter protein structure/function; Has not been previously published as pathogenic or benign to our knowledge